The following is an entry in ClinVar:

NM_024675.4(PALB2):c.2515-2A>G

Gene: PALB2 (partner and localizer of BRCA2; minus strand). Cytogenetic location: 16p12.2.
Variant type: single nucleotide variant.
Coding change: c.2515-2A>G on transcript NM_024675.4 (MANE Select); the canonical splice acceptor site of the intron before coding-DNA position 2515, A replaced by G.
Molecular consequence: splice acceptor variant. On other transcripts: intron variant (1).
Genome position (GRCh38, 1-based): chr16:23,629,277, T>C on the plus strand (A>G on the coding strand, the complement: PALB2 is on the minus strand). VCF-style: chr16-23629277-T-C. GRCh37 (hg19) VCF-style: chr16-23640598-T-C.
Other names: c.1630-2A>G (NM_001407308.1, NM_001407306.1, NM_001407307.1 and 5 more transcripts); c.49-2A>G (NM_001407314.1); c.727-2A>G (NM_001407313.1, NM_001407312.1); c.2455-2A>G (NM_001407296.1); c.2514+363A>G (NM_001407297.1); c.2515-2A>G (NM_001407302.1, NM_001407298.1, NM_001407300.1 and 2 more transcripts).
Identifiers: ClinVar variation 4082273 (VCV004082273.1).

ClinVar aggregate classification (germline): Likely pathogenic (1 of 4 stars; one submission).

Conditions:
Hereditary breast ovarian cancer syndrome. Also called: BRCA1- and BRCA2-Associated Hereditary Breast and Ovarian Cancer; Hereditary breast and ovarian cancer; Hereditary breast and ovarian cancer syndrome (HBOC); Hereditary breast and/or ovarian cancer syndrome; Hereditary breast and ovarian cancer syndrome; Breast and ovarian cancer. Identifiers: Orphanet 145, MedGen C0677776, MeSH D061325, MONDO:0003582. Disease mechanism: loss of function.

Submission:

German Consortium for Hereditary Breast and Ovarian Cancer, University Hospital Cologne
Classification: Likely pathogenic for Hereditary breast ovarian cancer syndrome. Last evaluated: 2025-08-12. Review status: criteria provided, single submitter. Criteria: ClinGen PALB2 V1.1.0. Collection method: curation. Allele origin: germline.
Comment: This classification follows the ClinGen ACMG PALB2 v1.1.0 classification scheme; We chose these criteria: PVS1 (very strong pathogenic): PVS1 list C (ClinGen): PVS1_O_very strong, NMD escaping: in-frame, functional critical, PM2 (supporting pathogenic): absent from gnomAD v4/3/2